The following is an entry in ClinVar:

ClinVar aggregate classification (germline): Uncertain significance (1 of 4 stars; one submission).

Submission:

GeneDx
Classification: Uncertain significance. Last evaluated: 2026-03-27. Review status: criteria provided, single submitter. Criteria: GeneDx Variant Classification Process June 2021. Collection method: clinical testing. Allele origin: germline.
Comment: Not observed at significant frequency in large population cohorts (gnomAD); In silico analysis supports that this missense variant has a deleterious effect on protein structure/function; Has not been previously published as pathogenic or benign to our knowledge

NM_014698.3(TMEM63A):c.1926G>T (p.Lys642Asn)

Gene: TMEM63A (transmembrane protein 63A; minus strand). Cytogenetic location: 1q42.12.
Variant type: single nucleotide variant.
Coding change: c.1926G>T on transcript NM_014698.3 (MANE Select); coding-DNA position 1926, G replaced by T.
Protein change: p.Lys642Asn; replaces lysine 642 with asparagine.
Molecular consequence: missense variant.
Genome position (GRCh38, 1-based): chr1:225,850,057, C>A on the plus strand (G>T on the coding strand, the complement: TMEM63A is on the minus strand). VCF-style: chr1-225850057-C-A. GRCh37 (hg19) VCF-style: chr1-226037758-C-A.
Other names: short protein forms K642N.
Identifiers: ClinVar variation 5017751 (VCV005017751.1).